The following is an entry in ClinVar:

ClinVar aggregate classification (germline): Likely pathogenic (1 of 4 stars; one submission).

Conditions:
Sialic acid storage disease, severe infantile type (ISSD). Also called: INFANTILE SIALIC ACID STORAGE DISORDER; N-ACETYLNEURAMINIC ACID STORAGE DISEASE; NANA STORAGE DISEASE; SIALURIA, INFANTILE FORM; Infantile Sialic Acid Storage Disease; Free sialic acid storage disease, infantile form. Identifiers: Orphanet 309324, Orphanet 834, MedGen C1096902, MONDO:0010027, OMIM 269920.

Submission:

Myriad Genetics, Inc.
Classification: Likely pathogenic for Sialic acid storage disease, severe infantile type. Last evaluated: 2022-03-02. Review status: criteria provided, single submitter. Criteria: Myriad Autosomal Dominant, Autosomal Recessive and X-Linked Classification Criteria (2023). Collection method: clinical testing. Allele origin: unknown.
Comment: NM_012434.4(SLC17A5):c.1048delG(D350Tfs*3) is expected to be pathogenic in the context of free sialic acid storage disorders. This variant is predicted to lead to an abnormal or absent protein product due to the creation of a premature termination codon in SLC17A5, a gene where loss-of-function variants are known to be pathogenic. Please note: this variant was assessed in the context of healthy population screening.

NM_012434.5(SLC17A5):c.1048del (p.Asp350fs)

Gene: SLC17A5 (solute carrier family 17 member 5; minus strand). Cytogenetic location: 6q13.
Variant type: Deletion.
Coding change: c.1048del on transcript NM_012434.5 (MANE Select); coding-DNA position 1048, one base deleted (G; older notation c.1048delG).
Protein change: p.Asp350fs; shifts the reading frame from aspartic acid 350.
Molecular consequence: frameshift variant.
Genome position (GRCh38, 1-based): chr6:73,615,378, C deleted on the plus strand (G on the coding strand, the reverse complement: SLC17A5 is on the minus strand). VCF-style (leftmost placement, unchanged base first): chr6-73615377-TC-T. GRCh37 (hg19) VCF-style: chr6-74325100-TC-T.
Other names: c.817del, p.Asp273fs (NM_001382629.1); c.1048del, p.Asp350fs (NM_001382630.1, NM_001382633.1); c.1069del, p.Asp357fs (NM_001382631.1); c.961del, p.Asp321fs (NM_001382632.1); c.889del, p.Asp297fs (NM_001382634.1); c.1045del, p.Asp349fs (NM_001382635.1); c.730del, p.Asp244fs (NM_001382636.1); short protein forms D244fs, D273fs, D297fs, D321fs, D349fs, D350fs, D357fs.
Identifiers: ClinVar variation 1724916 (VCV001724916.3), dbSNP rs2533429370, ClinGen allele CA2580075765.